The following is an entry in ClinVar:

ClinVar aggregate classification (germline): Uncertain significance. Review status: criteria provided, multiple submitters, no conflicts (2 of 4 stars). 2 submissions from 2 submitters: Uncertain significance (2). Last evaluated 2024-09-25.

Allele frequency attached by ClinVar (database versions not stated): gnomAD 0.00001; TOPMed 0.00001; gnomAD exomes 0.00002; ExAC 0.00003.

Submissions (2):

Blueprint Genetics
Classification: Uncertain significance. Last evaluated: 2024-09-25. Review status: criteria provided, single submitter. Criteria: ACMG Guidelines, 2015. Collection method: clinical testing. Allele origin: germline.

Labcorp Genetics (formerly Invitae), Labcorp
Classification: Uncertain significance. Last evaluated: 2021-12-02. Review status: criteria provided, single submitter. Criteria: Invitae Variant Classification Sherloc (09022015). Collection method: clinical testing. Allele origin: germline.
Comment: This sequence change replaces arginine, which is basic and polar, with cysteine, which is neutral and slightly polar, at codon 303 of the TULP1 protein (p.Arg303Cys). This variant is present in population databases (rs758964103, gnomAD 0.003%). This variant has not been reported in the literature in individuals affected with TULP1-related conditions. Algorithms developed to predict the effect of missense changes on protein structure and function are either unavailable or do not agree on the potential impact of this missense change (SIFT: "Not Available"; PolyPhen-2: "Benign"; Align-GVGD: "Not Available"). In summary, the available evidence is currently insufficient to determine the role of this variant in disease. Therefore, it has been classified as a Variant of Uncertain Significance.

NM_003322.6(TULP1):c.907C>T (p.Arg303Cys)

Gene: TULP1 (TUB like protein 1; minus strand). Cytogenetic location: 6p21.31.
Variant type: single nucleotide variant.
Coding change: c.907C>T on transcript NM_003322.6 (MANE Select); coding-DNA position 907, C replaced by T.
Protein change: p.Arg303Cys; replaces arginine 303 with cysteine.
Molecular consequence: missense variant.
Genome position (GRCh38, 1-based): chr6:35,506,095, G>A on the plus strand (C>T on the coding strand, the complement: TULP1 is on the minus strand). VCF-style: chr6-35506095-G-A. GRCh37 (hg19) VCF-style: chr6-35473872-G-A.
Other names: c.748C>T, p.Arg250Cys (NM_001289395.2); short protein forms R303C, R250C.
Identifiers: ClinVar variation 1358775 (VCV001358775.4), dbSNP rs758964103, ClinGen allele CA3772745.